The following is an entry in ClinVar:

ClinVar aggregate classification (germline): Uncertain significance (1 of 4 stars; one submission).

Submission:

Ambry Genetics
Classification: Uncertain significance. Last evaluated: 2026-02-21. Review status: criteria provided, single submitter. Criteria: Ambry Variant Classification Scheme 2023. Collection method: clinical testing. Allele origin: germline.
Comment: The p.L162M variant (also known as c.484C>A), located in coding exon 1 of the EGLN1 gene, results from a C to A substitution at nucleotide position 484. The leucine at codon 162 is replaced by methionine, an amino acid with highly similar properties. This amino acid position is conserved. In addition, this alteration is predicted to be tolerated by in silico analysis. Based on the available evidence, the clinical significance of this variant remains unclear.

NM_022051.3(EGLN1):c.484C>A (p.Leu162Met)

Gene: EGLN1 (egl-9 family hypoxia inducible factor 1; minus strand). Cytogenetic location: 1q42.2.
Variant type: single nucleotide variant.
Coding change: c.484C>A on transcript NM_022051.3 (MANE Select); coding-DNA position 484, C replaced by A.
Protein change: p.Leu162Met; replaces leucine 162 with methionine.
Molecular consequence: missense variant.
Genome position (GRCh38, 1-based): chr1:231,421,405, G>T on the plus strand (C>A on the coding strand, the complement: EGLN1 is on the minus strand). VCF-style: chr1-231421405-G-T. GRCh37 (hg19) VCF-style: chr1-231557151-G-T.
Other names: c.484C>A, p.Leu162Met (NM_001377260.1, NM_001377261.1); short protein forms L162M.
Identifiers: ClinVar variation 4824053 (VCV004824053.1).